The following is an entry in ClinVar:

NM_000257.4(MYH7):c.4781T>A (p.Val1594Glu)

Genes: MHRT (myosin heavy chain associated RNA transcript; plus strand), MYH7 (myosin heavy chain 7; minus strand), LOC126861897 (BRD4-independent group 4 enhancer GRCh37_chr14:23884455-23885654; plus strand). Cytogenetic location: 14q11.2.
Variant type: single nucleotide variant.
Coding change: c.4781T>A on transcript NM_000257.4 (MANE Select); coding-DNA position 4781, T replaced by A.
Protein change: p.Val1594Glu; replaces valine 1594 with glutamic acid.
Molecular consequence: missense variant. On other transcripts: non-coding transcript variant (1).
Genome position (GRCh38, 1-based): chr14:23,416,176, A>T on the plus strand (T>A on the coding strand, the complement: MYH7 is on the minus strand). VCF-style: chr14-23416176-A-T. GRCh37 (hg19) VCF-style: chr14-23885385-A-T.
Other names: c.4781T>A, p.Val1594Glu (NM_001407004.1); short protein forms V1594E.
Identifiers: ClinVar variation 4527933 (VCV004527933.1).

ClinVar aggregate classification (germline): Uncertain significance (1 of 4 stars; one submission).

Submission:

GeneDx
Classification: Uncertain significance. Last evaluated: 2025-04-30. Review status: criteria provided, single submitter. Criteria: GeneDx Variant Classification Process June 2021. Collection method: clinical testing. Allele origin: germline. Affected: yes.
Comment: Not observed at significant frequency in large population cohorts (gnomAD); In silico analysis supports that this missense variant has a deleterious effect on protein structure/function; Has not been previously published as pathogenic or benign to our knowledge